The following is an entry in ClinVar:

NM_001184.4(ATR):c.7032G>C (p.Leu2344Phe)

Gene: ATR (ATR serine/threonine kinase; minus strand). Cytogenetic location: 3q23.
Variant type: single nucleotide variant.
Coding change: c.7032G>C on transcript NM_001184.4 (MANE Select); coding-DNA position 7032, G replaced by C.
Protein change: p.Leu2344Phe; replaces leucine 2344 with phenylalanine.
Molecular consequence: missense variant.
Genome position (GRCh38, 1-based): chr3:142,465,106, C>G on the plus strand (G>C on the coding strand, the complement: ATR is on the minus strand). VCF-style: chr3-142465106-C-G. GRCh37 (hg19) VCF-style: chr3-142183948-C-G.
Other names: c.6840G>C, p.Leu2280Phe (NM_001354579.2); short protein forms L2344F, L2280F.
Identifiers: ClinVar variation 3462508 (VCV003462508.1).

ClinVar aggregate classification (germline): Uncertain significance (1 of 4 stars; one submission).

Conditions:
Inborn genetic diseases. Identifiers: MedGen C0950123, MeSH D030342.

Submission:

Ambry Genetics
Classification: Uncertain significance for Inborn genetic diseases. Last evaluated: 2024-08-02. Review status: criteria provided, single submitter. Criteria: Ambry Variant Classification Scheme 2023. Collection method: clinical testing. Allele origin: germline.
Comment: The p.L2344F variant (also known as c.7032G>C), located in coding exon 41 of the ATR gene, results from a G to C substitution at nucleotide position 7032. The leucine at codon 2344 is replaced by phenylalanine, an amino acid with highly similar properties. This amino acid position is conserved. In addition, this alteration is predicted to be deleterious by in silico analysis. Based on the available evidence, the clinical significance of this variant remains unclear.